The following is an entry in ClinVar:

ClinVar aggregate classification (germline): Uncertain significance (1 of 4 stars; one submission).

Allele frequency attached by ClinVar (database versions not stated): gnomAD exomes below 0.00001; ExAC 0.00002; gnomAD 0.00002; TOPMed 0.00002.
gnomAD v4.1: 5 of 1,613,770 alleles (0.00031%); highest among the groups gnomAD compares: African/African-American, 0.0067%; no homozygotes.

Submission:

Labcorp Genetics (formerly Invitae), Labcorp
Classification: Uncertain significance. Last evaluated: 2023-01-01. Review status: criteria provided, single submitter. Criteria: Invitae Variant Classification Sherloc (09022015). Collection method: clinical testing. Allele origin: germline.
Comment: Advanced modeling of protein sequence and biophysical properties (such as structural, functional, and spatial information, amino acid conservation, physicochemical variation, residue mobility, and thermodynamic stability) has been performed at Invitae for this missense variant, however the output from this modeling did not meet the statistical confidence thresholds required to predict the impact of this variant on ITPR1 protein function. In summary, the available evidence is currently insufficient to determine the role of this variant in disease. Therefore, it has been classified as a Variant of Uncertain Significance. This variant has not been reported in the literature in individuals affected with ITPR1-related conditions. This sequence change replaces serine, which is neutral and polar, with threonine, which is neutral and polar, at codon 2255 of the ITPR1 protein (p.Ser2255Thr). This variant is present in population databases (rs750896407, gnomAD 0.02%).

NM_001378452.1(ITPR1):c.6952T>A (p.Ser2318Thr)

Gene: ITPR1 (inositol 1,4,5-trisphosphate receptor type 1; plus strand). Cytogenetic location: 3p26.1.
Variant type: single nucleotide variant.
Coding change: c.6952T>A on transcript NM_001378452.1 (MANE Select); coding-DNA position 6952, T replaced by A.
Protein change: p.Ser2318Thr; replaces serine 2318 with threonine.
Molecular consequence: missense variant.
Genome position (GRCh38, 1-based): chr3:4,800,445, T>A. VCF-style: chr3-4800445-T-A. GRCh37 (hg19) VCF-style: chr3-4842129-T-A.
Other names: c.6808T>A, p.Ser2270Thr (NM_001099952.4); c.6907T>A, p.Ser2303Thr (NM_001168272.2); c.6763T>A, p.Ser2255Thr (NM_002222.7); short protein forms S2255T, S2270T, S2303T, S2318T.
Identifiers: ClinVar variation 2825862 (VCV002825862.3), dbSNP rs750896407, ClinGen allele CA2232740.